The following is an entry in ClinVar:

ClinVar aggregate classification (germline): Uncertain significance (1 of 4 stars; one submission).

Allele frequency attached by ClinVar (database versions not stated): gnomAD exomes below 0.00001; gnomAD 0.00001; TOPMed 0.00001; ExAC 0.00002; ESP Exome Variant Server 0.00008.
gnomAD v4.1: 5 of 1,613,476 alleles (0.00031%); highest among the groups gnomAD compares: African/African-American, 0.0053%; no homozygotes.

Submission:

Labcorp Genetics (formerly Invitae), Labcorp
Classification: Uncertain significance. Last evaluated: 2022-02-08. Review status: criteria provided, single submitter. Criteria: Invitae Variant Classification Sherloc (09022015). Collection method: clinical testing. Allele origin: germline.
Comment: This variant has not been reported in the literature in individuals affected with TMPRSS15-related conditions. In summary, the available evidence is currently insufficient to determine the role of this variant in disease. Therefore, it has been classified as a Variant of Uncertain Significance. Algorithms developed to predict the effect of missense changes on protein structure and function are either unavailable or do not agree on the potential impact of this missense change (SIFT: "Not Available"; PolyPhen-2: "Benign"; Align-GVGD: "Not Available"). This variant is present in population databases (rs375957234, gnomAD 0.007%). This sequence change replaces glutamic acid, which is acidic and polar, with glutamine, which is neutral and polar, at codon 883 of the TMPRSS15 protein (p.Glu883Gln).

NM_002772.3(TMPRSS15):c.2647G>C (p.Glu883Gln)

Gene: TMPRSS15 (transmembrane serine protease 15; minus strand). Cytogenetic location: 21q21.1.
Variant type: single nucleotide variant.
Coding change: c.2647G>C on transcript NM_002772.3 (MANE Select); coding-DNA position 2647, G replaced by C.
Protein change: p.Glu883Gln; replaces glutamic acid 883 with glutamine.
Molecular consequence: missense variant.
Genome position (GRCh38, 1-based): chr21:18,281,061, C>G on the plus strand (G>C on the coding strand, the complement: TMPRSS15 is on the minus strand). VCF-style: chr21-18281061-C-G. GRCh37 (hg19) VCF-style: chr21-19653378-C-G.
Other names: short protein forms E883Q.
Identifiers: ClinVar variation 2094886 (VCV002094886.4), dbSNP rs375957234, ClinGen allele CA9983985.